The following is an entry in ClinVar:

NM_004577.4(PSPH):c.346G>A (p.Val116Ile)

Gene: PSPH (phosphoserine phosphatase; minus strand). Cytogenetic location: 7p11.2.
Variant type: single nucleotide variant.
Coding change: c.346G>A on transcript NM_004577.4 (MANE Select); coding-DNA position 346, G replaced by A.
Protein change: p.Val116Ile; replaces valine 116 with isoleucine.
Molecular consequence: missense variant.
Genome position (GRCh38, 1-based): chr7:56,017,309, C>T on the plus strand (G>A on the coding strand, the complement: PSPH is on the minus strand). VCF-style: chr7-56017309-C-T. GRCh37 (hg19) VCF-style: chr7-56085002-C-T.
Other names: c.346G>A, p.Val116Ile (NM_001370503.1, NM_001370504.1, NM_001370505.1 and 17 more transcripts); short protein forms V116I.
Identifiers: ClinVar variation 1355041 (VCV001355041.7), dbSNP rs751400364, ClinGen allele CA4268662.

ClinVar aggregate classification (germline): Uncertain significance (1 of 4 stars; one submission).

Conditions:
Deficiency of phosphoserine phosphatase (PSPHD). Also called: PSPH deficiency; Phosphoserine phosphatase deficiency. Identifiers: Orphanet 79350, MedGen C1291463, MONDO:0013531, OMIM 614023.

Allele frequency attached by ClinVar (database versions not stated): gnomAD exomes 0.00001; ExAC 0.00002; TOPMed 0.00004; gnomAD 0.00005.

Submission:

Labcorp Genetics (formerly Invitae), Labcorp
Classification: Uncertain significance for Deficiency of phosphoserine phosphatase. Last evaluated: 2024-12-16. Review status: criteria provided, single submitter. Criteria: Invitae Variant Classification Sherloc (09022015). Collection method: clinical testing. Allele origin: germline.
Comment: This sequence change replaces valine, which is neutral and non-polar, with isoleucine, which is neutral and non-polar, at codon 116 of the PSPH protein (p.Val116Ile). This variant is present in population databases (rs751400364, gnomAD 0.01%). This variant has not been reported in the literature in individuals affected with PSPH-related conditions. ClinVar contains an entry for this variant (Variation ID: 1355041). An algorithm developed to predict the effect of missense changes on protein structure and function (PolyPhen-2) suggests that this variant is likely to be tolerated. In summary, the available evidence is currently insufficient to determine the role of this variant in disease. Therefore, it has been classified as a Variant of Uncertain Significance.